The following is an entry in ClinVar:

ClinVar aggregate classification (germline): Uncertain significance (0 of 4 stars; one submission).

Conditions:
NOTCH3-related disorder. Also called: NOTCH3-related disorders; NOTCH3-related condition.

gnomAD v4.1: 5 of 1,222,960 alleles (0.00041%); highest among the groups gnomAD compares: Non-Finnish European, 0.00051%; no homozygotes.

Submission:

PreventionGenetics, part of Exact Sciences
Classification: Uncertain significance for NOTCH3-related condition. Last evaluated: 2024-08-01. Review status: no assertion criteria provided. Collection method: clinical testing. Allele origin: germline.
Comment: The NOTCH3 c.4066G>T variant is predicted to result in the amino acid substitution p.Ala1356Ser. To our knowledge, this variant has not been reported in the literature or in a large population database, indicating this variant is rare. At this time, the clinical significance of this variant is uncertain due to the absence of conclusive functional and genetic evidence.

NM_000435.3(NOTCH3):c.4066G>T (p.Ala1356Ser)

Gene: NOTCH3 (notch receptor 3; minus strand). Cytogenetic location: 19p13.12.
Variant type: single nucleotide variant.
Coding change: c.4066G>T on transcript NM_000435.3 (MANE Select); coding-DNA position 4066, G replaced by T.
Protein change: p.Ala1356Ser; replaces alanine 1356 with serine.
Molecular consequence: missense variant.
Genome position (GRCh38, 1-based): chr19:15,177,862, C>A on the plus strand (G>T on the coding strand, the complement: NOTCH3 is on the minus strand). VCF-style: chr19-15177862-C-A. GRCh37 (hg19) VCF-style: chr19-15288673-C-A.
Other names: short protein forms A1356S.
Identifiers: ClinVar variation 3352919 (VCV003352919.1).